The following is an entry in ClinVar:

ClinVar aggregate classification (germline): Likely benign. Review status: criteria provided, multiple submitters, no conflicts (2 of 4 stars). 2 submissions from 2 submitters: Likely benign (2). Last evaluated 2023-01-01.

Allele frequency attached by ClinVar (database versions not stated): ExAC 0.00012; TOPMed 0.00001.
gnomAD v4.1: 10 of 1,519,292 alleles (0.00066%); highest among the groups gnomAD compares: South Asian, 0.0049%; no homozygotes.

Submissions (2):

CeGaT Center for Human Genetics Tuebingen
Classification: Likely benign. Last evaluated: 2023-01-01. Review status: criteria provided, single submitter. Criteria: CeGaT Center For Human Genetics Tuebingen Variant Classification Criteria Version 2. Collection method: clinical testing. Allele origin: germline. Affected: yes. Observed: 1 variant allele.
Comment: SETD1B: BP4, BP7

Breakthrough Genomics
Classification: Likely benign. Review status: criteria provided, single submitter. Criteria: ACMG Guidelines, 2015. Collection method: not provided. Allele origin: germline. Inheritance: Autosomal dominant inheritance. Affected: yes.

NM_001353345.2(SETD1B):c.2721G>A (p.Ser907=)

Gene: SETD1B (SET domain containing 1B, histone lysine methyltransferase; plus strand). Cytogenetic location: 12q24.31.
Variant type: single nucleotide variant.
Coding change: c.2721G>A on transcript NM_001353345.2 (MANE Select); coding-DNA position 2721, G replaced by A.
Protein change: p.Ser907=; no amino-acid change (serine 907 retained).
Molecular consequence: synonymous variant.
Genome position (GRCh38, 1-based): chr12:121,817,038, G>A. VCF-style: chr12-121817038-G-A. GRCh37 (hg19) VCF-style: chr12-122254944-G-A.
Identifiers: ClinVar variation 2643454 (VCV002643454.25), dbSNP rs751219734, ClinGen allele CA6838980.